The following is an entry in ClinVar:

NM_014244.5(ADAMTS2):c.1458C>G (p.Tyr486Ter)

Gene: ADAMTS2 (ADAM metallopeptidase with thrombospondin type 1 motif 2; minus strand). Cytogenetic location: 5q35.3.
Variant type: single nucleotide variant.
Coding change: c.1458C>G on transcript NM_014244.5 (MANE Select); coding-DNA position 1458, C replaced by G.
Protein change: p.Tyr486Ter; replaces tyrosine 486 with a stop codon.
Molecular consequence: nonsense.
Genome position (GRCh38, 1-based): chr5:179,153,548, G>C on the plus strand (C>G on the coding strand, the complement: ADAMTS2 is on the minus strand). VCF-style: chr5-179153548-G-C. GRCh37 (hg19) VCF-style: chr5-178580549-G-C.
Other names: c.1458C>G, p.Tyr486Ter (NM_021599.4); short protein forms Y486*.
Identifiers: ClinVar variation 5015916 (VCV005015916.1).

ClinVar aggregate classification (germline): Pathogenic (1 of 4 stars; one submission).

Conditions:
Ehlers-Danlos syndrome, dermatosparaxis type. Also called: EDS VIIC; Dermatosparaxis; Ehlers-Danlos syndrome, type VII, autosomal recessive. Identifiers: Orphanet 1901, MedGen C2700425, MONDO:0009161, OMIM 225410.

Submission:

Myriad Genetics, Inc.
Classification: Pathogenic for Ehlers-Danlos syndrome, dermatosparaxis type. Last evaluated: 2026-05-15. Review status: criteria provided, single submitter. Criteria: Myriad Autosomal Dominant, Autosomal Recessive and X-Linked Classification Criteria (2023). Collection method: clinical testing. Allele origin: unknown.
Comment: NM_014244.4(ADAMTS2):c.1458C>G(Y486*) is expected to be pathogenic in the context of Ehlers-Danlos syndrome, ADAMTS2-related. This variant is predicted to lead to an abnormal or absent protein product due to the creation of a premature termination codon in ADAMTS2, a gene where loss-of-function variants are known to be pathogenic. Please note: this variant was assessed in the context of healthy population screening.